The following is an entry in ClinVar:

NM_004415.4(DSP):c.2131-10T>C

Gene: DSP (desmoplakin; plus strand). Cytogenetic location: 6p24.3.
Variant type: single nucleotide variant.
Coding change: c.2131-10T>C on transcript NM_004415.4 (MANE Select); 10 bases into the intron before coding-DNA position 2131, T replaced by C.
Molecular consequence: intron variant.
Genome position (GRCh38, 1-based): chr6:7,574,076, T>C. VCF-style: chr6-7574076-T-C. GRCh37 (hg19) VCF-style: chr6-7574309-T-C.
Other names: c.2131-10T>C (NM_001319034.2, NM_001008844.3).
Identifiers: ClinVar variation 178029 (VCV000178029.13), dbSNP rs369821143, ClinGen allele CA005273.

ClinVar aggregate classification (germline): Conflicting classifications of pathogenicity. Review status: criteria provided, conflicting classifications (1 of 4 stars). 3 submissions from 3 submitters: Uncertain significance (1); Likely benign (2). Last evaluated 2025-08-03.

Conditions:
Arrhythmogenic right ventricular dysplasia 8 (ARVD8). Also called: Arrhythmogenic Right Ventricular Dysplasia/Cardiomyopathy 8; ARRHYTHMOGENIC RIGHT VENTRICULAR DYSPLASIA, FAMILIAL, 8; ARRHYTHMOGENIC RIGHT VENTRICULAR CARDIOMYOPATHY 8. Identifiers: MedGen C1843896, MONDO:0011831, OMIM 607450.
Arrhythmogenic cardiomyopathy with wooly hair and keratoderma. Also called: Dilated cardiomyopathy with woolly hair and keratoderma; Arrhythmogenic cardiomyopathy with woolly hair and keratoderma; PALMOPLANTAR KERATODERMA WITH LEFT VENTRICULAR CARDIOMYOPATHY AND WOOLLY HAIR; Carvajal syndrome. Identifiers: Orphanet 65282, MedGen C1854063, MONDO:0011581, OMIM 605676.

Allele frequency attached by ClinVar (database versions not stated): gnomAD exomes below 0.00001 and 0.00002; gnomAD 0.00001; TOPMed 0.00002; ExAC 0.00003; ESP Exome Variant Server 0.00023.
gnomAD v4.1: 6 of 1,613,870 alleles (0.00037%); highest among the groups gnomAD compares: African/African-American, 0.004%; no homozygotes.

Submissions (3):

Labcorp Genetics (formerly Invitae), Labcorp
Classification: Likely benign for Arrhythmogenic cardiomyopathy with wooly hair and keratoderma; Arrhythmogenic right ventricular dysplasia 8. Last evaluated: 2025-08-03. Review status: criteria provided, single submitter. Criteria: Invitae Variant Classification Sherloc (09022015). Collection method: clinical testing. Allele origin: germline.

All of Us Research Program, National Institutes of Health
Classification: Likely benign for Arrhythmogenic cardiomyopathy with wooly hair and keratoderma. Last evaluated: 2023-05-16. Review status: criteria provided, single submitter. Criteria: ACMG Guidelines, 2015. Collection method: clinical testing. Allele origin: germline. Inheritance: Autosomal dominant inheritance. Observed: 1 variant allele, 1 heterozygote.
Comment: This study involves interpretation of variants in research participants for the purpose of population health screening. Participant phenotype was not available at the time of variant classification. Additional details can be found in publication PMID: 35346344, PMCID: PMC8962531

Laboratory for Molecular Medicine, Mass General Brigham Personalized Medicine
Classification: Uncertain significance. Last evaluated: 2014-01-22. Review status: criteria provided, single submitter. Criteria: LMM Criteria. Collection method: clinical testing. Allele origin: germline. Observed: 1 variant allele.
Comment: The 2131-10T>C variant in DSP has not been reported in individuals with cardiomy opathy, but has been identified in 3/4406 of African American chromosomes by the NHLBI Exome Sequencing Project (rs369821143). This variant is located in the 3' splice region. Computational tools do not sug gest an impact to splicing. However, this information is not predictive enough t o rule out pathogenicity. Additional information is needed to fully assess the c linical significance of the 2131-10T>C variant.